The following is an entry in ClinVar:

NM_181789.4(GLDN):c.688+5G>C

Gene: GLDN (gliomedin; plus strand). Cytogenetic location: 15q21.2.
Variant type: single nucleotide variant.
Coding change: c.688+5G>C on transcript NM_181789.4 (MANE Select); 5 bases into the intron after coding-DNA position 688, G replaced by C.
Molecular consequence: intron variant.
Genome position (GRCh38, 1-based): chr15:51,394,986, G>C. VCF-style: chr15-51394986-G-C. GRCh37 (hg19) VCF-style: chr15-51687183-G-C.
Other names: c.316+5G>C (NM_001330297.2).
Identifiers: ClinVar variation 3046056 (VCV003046056.2), dbSNP rs377006239, ClinGen allele CA7560476.
Genomic context (GRCh38, chr15:51,394,986, plus strand): 5'-GCAGAAGGGAGAAAAGGGTGACAAAGGAGATGTGTCCAACGACGTGCTCCTGGCAGGTAA[G>C]AGGGGTACGCTGTGGCTCTCTTTGAGGGCTTGTGCGCCCAGAGAACTGCCTGGCTTCCAA-3'

ClinVar aggregate classification (germline): Likely benign (0 of 4 stars; one submission).

Conditions:
GLDN-related disorder. Also called: GLDN-related condition.

Allele frequency attached by ClinVar (database versions not stated): gnomAD exomes 0.00004; ExAC 0.00006; 1000 Genomes Project 30x 0.00016; 1000 Genomes Project 0.00020; ESP Exome Variant Server 0.00031; gnomAD 0.00031; TOPMed 0.00043.
gnomAD v4.1: 99 of 1,589,222 alleles (0.0062%); highest among the groups gnomAD compares: African/African-American, 0.12%; no homozygotes.

Submission:

PreventionGenetics, part of Exact Sciences
Classification: Likely benign for GLDN-related condition. Last evaluated: 2019-11-14. Review status: no assertion criteria provided. Collection method: clinical testing. Allele origin: germline.
Comment: This variant is classified as likely benign based on ACMG/AMP sequence variant interpretation guidelines (Richards et al. 2015 PMID: 25741868, with internal and published modifications).